The following is an entry in ClinVar:

NM_001009944.3(PKD1):c.387T>G (p.Cys129Trp)

Gene: PKD1 (polycystin 1, transient receptor potential channel interacting; minus strand). Cytogenetic location: 16p13.3.
Variant type: single nucleotide variant.
Coding change: c.387T>G on transcript NM_001009944.3 (MANE Select); coding-DNA position 387, T replaced by G.
Protein change: p.Cys129Trp; replaces cysteine 129 with tryptophan.
Molecular consequence: missense variant.
Genome position (GRCh38, 1-based): chr16:2,118,818, A>C on the plus strand (T>G on the coding strand, the complement: PKD1 is on the minus strand). VCF-style: chr16-2118818-A-C. GRCh37 (hg19) VCF-style: chr16-2168819-A-C.
Other names: c.387T>G, p.Cys129Trp (NM_000296.4); short protein forms C129W.
Identifiers: ClinVar variation 3364614 (VCV003364614.2).

ClinVar aggregate classification (germline): Uncertain significance. Review status: criteria provided, multiple submitters, no conflicts (2 of 4 stars). 2 submissions from 2 submitters: Uncertain significance (2). Last evaluated 2024-03-15.

Conditions:
Polycystic kidney disease, adult type (PKD1). Also called: Polycystic Kidney, Autosomal Dominant; POLYCYSTIC KIDNEY DISEASE 1 WITH OR WITHOUT POLYCYSTIC LIVER DISEASE; POLYCYSTIC KIDNEY DISEASE, ADULT, TYPE I; Polycystic Kidney Disease 1, Autosomal Dominant; Polycystic kidney disease 1; Polycystic kidney disease 1, severe. Identifiers: MedGen C3149841, MONDO:0008263, OMIM 173900.

Submissions (2):

Fulgent Genetics
Classification: Uncertain significance for Polycystic kidney disease, adult type. Last evaluated: 2024-03-15. Review status: criteria provided, single submitter. Criteria: ACMG Guidelines, 2015. Collection method: clinical testing. Allele origin: germline.

GeneDx
Classification: Uncertain significance. Last evaluated: 2023-11-21. Review status: criteria provided, single submitter. Criteria: GeneDx Variant Classification Process June 2021. Collection method: clinical testing. Allele origin: germline. Affected: yes.
Comment: Not observed at significant frequency in large population cohorts (gnomAD); In silico analysis supports that this missense variant has a deleterious effect on protein structure/function; Has not been previously published as pathogenic or benign to our knowledge